The following is an entry in ClinVar:

NM_001848.3(COL6A1):c.904-2A>G

Gene: COL6A1 (collagen type VI alpha 1 chain; plus strand). Cytogenetic location: 21q22.3.
Variant type: single nucleotide variant.
Coding change: c.904-2A>G on transcript NM_001848.3 (MANE Select); the canonical splice acceptor site of the intron before coding-DNA position 904, A replaced by G.
Molecular consequence: splice acceptor variant.
Genome position (GRCh38, 1-based): chr21:45,989,750, A>G. VCF-style: chr21-45989750-A-G. GRCh37 (hg19) VCF-style: chr21-47409664-A-G.
Other names: c.904-2A>G (NM_001848.2).
Identifiers: ClinVar variation 374620 (VCV000374620.55), dbSNP rs1057519174, ClinGen allele CA16043819.

ClinVar aggregate classification (germline): Conflicting classifications of pathogenicity. Review status: criteria provided, conflicting classifications (1 of 4 stars). 5 submissions from 5 submitters: Pathogenic (1); Likely pathogenic (3); Uncertain significance (1). Last evaluated 2026-03-26.

Conditions:
Inborn genetic diseases. Identifiers: MedGen C0950123, MeSH D030342.
COL6A1-related disorder. Also called: COL6A1-related condition.
Bethlem myopathy 1A. Also called: MYOPATHY, BENIGN CONGENITAL, WITH CONTRACTURES; Bethlem myopathy 1; Bethlem Muscular Dystrophy. Identifiers: Orphanet 610, MedGen CN029274, MONDO:0024530, OMIM 158810.

Submissions (5):

Ambry Genetics
Classification: Uncertain significance for Inborn genetic diseases. Last evaluated: 2026-03-26. Review status: criteria provided, single submitter. Criteria: Ambry Variant Classification Scheme 2023. Collection method: clinical testing. Allele origin: germline.
Comment: The c.904-2A>G intronic variant consists of an A to G substitution two nucleotides before exon 11 (coding exon 11) of the COL6A1 gene. Variants that disrupt the canonical splice site are expected to result in aberrant splicing. The resulting transcript is predicted to be in-frame and is not expected to trigger nonsense-mediated mRNA decay, although direct evidence is unavailable. This variant was not reported in population-based cohorts in the Genome Aggregation Database (gnomAD). This variant was reported in individual(s) with features consistent with autosomal dominant COL6A1-related myopathy (Merlini, 2023; external communication). This nucleotide position is highly conserved in available vertebrate species. In silico splice site analysis predicts that this alteration will weaken the native splice acceptor site and will result in the creation or strengthening of a novel splice acceptor site. Based on insufficient or conflicting evidence, the clinical significance of this alteration remains unclear.

Labcorp Genetics (formerly Invitae), Labcorp
Classification: Likely pathogenic for Bethlem myopathy 1A. Last evaluated: 2023-11-10. Review status: criteria provided, single submitter. Criteria: Invitae Variant Classification Sherloc (09022015). Collection method: clinical testing. Allele origin: germline.
Comment: This sequence change affects an acceptor splice site in intron 10 of the COL6A1 gene. It is expected to disrupt RNA splicing. Variants that disrupt the donor or acceptor splice site typically lead to a loss of protein function (PMID: 16199547), and loss-of-function variants in COL6A1 are known to be disease-causing for autosomal recessive COL6A1-related conditions (PMID: 21280092, 20976770). However, certain variants affecting donor or acceptor splice sites in the triple helical domain of COL6A1 are expected to result in in-frame exon skipping and have been reported to cause autosomal dominant COL6A1-related conditions (PMID: 18366090). This variant is not present in population databases (gnomAD no frequency). Disruption of this splice site has been observed in individual(s) with clinical features of autosomal dominant COL6A1-related conditions (Invitae). ClinVar contains an entry for this variant (Variation ID: 374620). Algorithms developed to predict the effect of sequence changes on RNA splicing suggest that this variant may disrupt the consensus splice site. In summary, the currently available evidence indicates that the variant is pathogenic, but additional data are needed to prove that conclusively. Therefore, this variant has been classified as Likely Pathogenic.

PreventionGenetics, part of Exact Sciences
Classification: Likely pathogenic for COL6A1-related condition. Last evaluated: 2023-07-14. Review status: criteria provided, single submitter. Criteria: ACMG Guidelines, 2015. Collection method: clinical testing. Allele origin: germline.
Comment: The COL6A1 c.904-2A>G variant is predicted to disrupt the AG splice acceptor site and interfere with normal splicing. This variant is predicted to abolish the canonical splice acceptor site which may result in skipping of exon 11 and an in-frame deletion of nine amino acids; however, we cannot be certain of the exact biological impact of this variant (Alamut Visual Plus v1.6.1). A different variant that impacts this same splice site (c.904G>A, first nucleotide of exon) has been reported to occur de novo in a suspected case of autosomal dominant COL6A1-related disorder (Foley et al 2013. PubMed ID: 24271325). Additionally, a different nucleotide change (c.904-39A>G) led to exon 11 skipping and was reported as de novo in an individual with moderate progressive myopathy (Brinas et al. 2010. PubMed ID: 20976770), and another nucleotide change near the exon-intron boundary (c.930+2T>A) was reported in two individuals with suspected autosomal dominant myopathy (Donkervoort et al. 2015. PubMed ID: 25204870). To our knowledge, this variant has not been reported in the literature or in a large population database, indicating this variant is rare. Variants that disrupt the consensus splice acceptor site in COL6A1 are expected to be pathogenic. Therefore, this variant is interpreted as likely pathogenic. Although we suspect that this variant is likely related to an autosomal dominant form of disease, we cannot rule out the possibility that this variant could instead cause autosomal recessive disease. Family follow-up testing is recommended to clarify the mode of inheritance in this family.

Eurofins Ntd Llc (ga)
Classification: Pathogenic. Last evaluated: 2017-11-30. Review status: criteria provided, single submitter. Criteria: EGL Classification Definitions 2015. Collection method: clinical testing. Allele origin: germline. Observed: 1 variant allele, 1 heterozygote.

CeGaT Center for Human Genetics Tuebingen
Classification: Likely pathogenic. Last evaluated: 2016-07-01. Review status: criteria provided, single submitter. Criteria: CeGaT Center For Human Genetics Tuebingen Variant Classification Criteria Version 2. Collection method: clinical testing. Allele origin: germline. Affected: yes. Observed: 1 variant allele.

Literature cited by the submitters: PubMed 37569848 (cited by Ambry Genetics); PubMed 16199547 (cited by Labcorp Genetics (formerly Invitae), Labcorp); PubMed 21280092 (cited by Labcorp Genetics (formerly Invitae), Labcorp); PubMed 20976770 (cited by Labcorp Genetics (formerly Invitae), Labcorp); PubMed 18366090 (cited by Labcorp Genetics (formerly Invitae), Labcorp).